The following is an entry in ClinVar:

NM_003680.4(YARS1):c.323T>C (p.Ile108Thr)

Gene: YARS1 (tyrosyl-tRNA synthetase 1; minus strand). Cytogenetic location: 1p35.1.
Variant type: single nucleotide variant.
Coding change: c.323T>C on transcript NM_003680.4 (MANE Select); coding-DNA position 323, T replaced by C.
Protein change: p.Ile108Thr; replaces isoleucine 108 with threonine.
Molecular consequence: missense variant.
Genome position (GRCh38, 1-based): chr1:32,810,648, A>G on the plus strand (T>C on the coding strand, the complement: YARS1 is on the minus strand). VCF-style: chr1-32810648-A-G. GRCh37 (hg19) VCF-style: chr1-33276249-A-G.
Other names: short protein forms I108T.
Identifiers: ClinVar variation 1317137 (VCV001317137.2), dbSNP rs750509881, ClinGen allele CA745231.

ClinVar aggregate classification (germline): Uncertain significance (1 of 4 stars; one submission).

Allele frequency attached by ClinVar (database versions not stated): gnomAD exomes below 0.00001; gnomAD 0.00001; ExAC 0.00002.
gnomAD v4.1: 7 of 1,613,770 alleles (0.00043%); highest among the groups gnomAD compares: Middle Eastern, 0.017%; no homozygotes.

Submission:

GeneDx
Classification: Uncertain significance. Last evaluated: 2019-04-10. Review status: criteria provided, single submitter. Criteria: GeneDx Variant Classification Process June 2021. Collection method: clinical testing. Allele origin: germline. Affected: yes.
Comment: Has not been previously published as pathogenic or benign to our knowledge; In silico analysis, which includes protein predictors and evolutionary conservation, supports a deleterious effect